The following is an entry in ClinVar:

ClinVar aggregate classification (germline): Uncertain significance (1 of 4 stars; one submission).

gnomAD v4.1: 1 of 1,367,754 alleles (0.000073%); highest among the groups gnomAD compares: Non-Finnish European, 0.000098%; no homozygotes.

Submission:

CeGaT Center for Human Genetics Tuebingen
Classification: Uncertain significance. Last evaluated: 2025-06-01. Review status: criteria provided, single submitter. Criteria: CeGaT Center For Human Genetics Tuebingen Variant Classification Criteria Version 2. Collection method: clinical testing. Allele origin: germline. Affected: yes. Observed: 1 variant allele.
Comment: ATP11A: PM2, BP4

NM_015205.3(ATP11A):c.*169C>A

Gene: ATP11A (ATPase phospholipid transporting 11A; plus strand). Cytogenetic location: 13q34.
Variant type: single nucleotide variant.
Coding change: c.*169C>A on transcript NM_015205.3 (MANE Select); 169 bases downstream of the stop codon, C replaced by A.
Molecular consequence: 3 prime UTR variant. On other transcripts: missense variant (3).
Genome position (GRCh38, 1-based): chr13:112,882,035, C>A. VCF-style: chr13-112882035-C-A. GRCh37 (hg19) VCF-style: chr13-113536349-C-A.
Other names: c.3550C>A, p.Pro1184Thr (NM_001405661.1); c.3487C>A, p.Pro1163Thr (NM_001405662.1); c.*171C>A (NM_001405663.1); c.3547C>A, p.Pro1183Thr (NM_032189.4); short protein forms P1163T, P1183T, P1184T.
Identifiers: ClinVar variation 4085156 (VCV004085156.8).